The following is an entry in ClinVar:

NM_006164.5(NFE2L2):c.609delinsGGG (p.Asn204fs)

Gene: NFE2L2 (NFE2 like bZIP transcription factor 2; minus strand). Cytogenetic location: 2q31.2.
Variant type: Indel.
Coding change: c.609delinsGGG on transcript NM_006164.5 (MANE Select); coding-DNA position 609, A replaced by GGG.
Protein change: p.Asn204fs; shifts the reading frame from asparagine 204.
Molecular consequence: frameshift variant.
Genome position (GRCh38, 1-based): chr2:177,231,994, T replaced by CCC on the plus strand (A replaced by GGG on the coding strand, the reverse complement: NFE2L2 is on the minus strand). VCF-style: chr2-177231994-T-CCC. GRCh37 (hg19) VCF-style: chr2-178096722-T-CCC.
Other names: c.561delinsGGG, p.Asn188fs (NM_001145412.3, NM_001313900.1, NM_001313901.1); c.540delinsGGG, p.Asn181fs (NM_001145413.3); c.519delinsGGG, p.Asn174fs (NM_001313902.2); c.390delinsGGG, p.Asn131fs (NM_001313903.2); c.309delinsGGG, p.Asn104fs (NM_001313904.1); short protein forms N104fs, N131fs, N174fs, N181fs, N188fs, N204fs.
Identifiers: ClinVar variation 3367936 (VCV003367936.1).
Genomic context (GRCh38, chr2:177,231,994, plus strand): 5'-AACTTCTGTCAGTTTGGCTTCTGGACTTGGAACCATGGTAGTCTCAACCAGCTTGTCATT[T>CCC]TCAATATTAAGACACTGCATGAGAAGGAAGTTTATACTATATAAATCAAAGTTAATCCAT-3'

ClinVar aggregate classification (germline): Uncertain significance (1 of 4 stars; one submission).

Submission:

GeneDx
Classification: Uncertain significance. Last evaluated: 2024-01-12. Review status: criteria provided, single submitter. Criteria: GeneDx Variant Classification Process June 2021. Collection method: clinical testing. Allele origin: germline. Affected: yes.
Comment: Not observed at significant frequency in large population cohorts (gnomAD); Frameshift variant predicted to result in abnormal protein length as the last 402 amino acids are replaced with 17 different amino acids; Has not been previously published as pathogenic or benign to our knowledge